The following is an entry in ClinVar:

ClinVar aggregate classification (germline): Uncertain significance (1 of 4 stars; one submission).

Conditions:
SCN1A-related disorder. Also called: SCN1A-related conditions; SCN1A-related condition; SCN1A-related disorders.

Submission:

3billion
Classification: Uncertain significance for SCN1A-related disorder. Last evaluated: 2025-12-15. Review status: criteria provided, single submitter. Criteria: ACMG Guidelines, 2015. Collection method: clinical testing. Allele origin: germline. Affected: yes.
Comment: The variant is not observed in the gnomAD v4.1.0 dataset. Predicted Consequence/Location: Missense variant In silico tool predictions suggest damaging effect of the variant on gene or gene product [3Cnet: 0.78 (> 0.75, sensitivity 0.96 and precision 0.92)]. Different missense changes at the same codon (p.Arg500Gln, p.Arg500Trp) have been reported as pathogenic/likely pathogenic with strong evidence (ClinVar ID: VCV000418475 /PMID: 29314583, 31054490). Therefore, this variant is classified as VUS according to the recommendation of ACMG/AMP guideline.

Literature cited by the submitters: PubMed 29314583.

NM_001165963.4(SCN1A):c.1499G>C (p.Arg500Pro)

Gene: SCN1A (sodium voltage-gated channel alpha subunit 1; minus strand). Cytogenetic location: 2q24.3.
Variant type: single nucleotide variant.
Coding change: c.1499G>C on transcript NM_001165963.4 (MANE Select); coding-DNA position 1499, G replaced by C.
Protein change: p.Arg500Pro; replaces arginine 500 with proline.
Molecular consequence: missense variant. On other transcripts: 5 prime UTR variant (1), non-coding transcript variant (1).
Genome position (GRCh38, 1-based): chr2:166,045,206, C>G on the plus strand (G>C on the coding strand, the complement: SCN1A is on the minus strand). VCF-style: chr2-166045206-C-G. GRCh37 (hg19) VCF-style: chr2-166901716-C-G.
Other names: c.1499G>C, p.Arg500Pro (NM_001165964.3, NM_001202435.3, NM_001353948.2 and 7 more transcripts); c.1496G>C, p.Arg499Pro (NM_001353954.2, NM_001353955.2, NM_001353960.2); c.-927G>C (NM_001353961.2); short protein forms R499P, R500P.
Identifiers: ClinVar variation 4856022 (VCV004856022.1).